The following is an entry in ClinVar:

ClinVar aggregate classification (germline): Uncertain significance (1 of 4 stars; one submission).

Submission:

GeneDx
Classification: Uncertain significance. Last evaluated: 2024-08-23. Review status: criteria provided, single submitter. Criteria: GeneDx Variant Classification Process June 2021. Collection method: clinical testing. Allele origin: germline. Affected: yes.
Comment: Not observed at significant frequency in large population cohorts (gnomAD); In silico analysis supports that this missense variant has a deleterious effect on protein structure/function; Has not been previously published as pathogenic or benign to our knowledge; This substitution is predicted to be within the N-terminal cytoplasmic domain

NM_001040142.2(SCN2A):c.32C>T (p.Pro11Leu)

Gene: SCN2A (sodium voltage-gated channel alpha subunit 2; plus strand). Cytogenetic location: 2q24.3.
Variant type: single nucleotide variant.
Coding change: c.32C>T on transcript NM_001040142.2 (MANE Select); coding-DNA position 32, C replaced by T.
Protein change: p.Pro11Leu; replaces proline 11 with leucine.
Molecular consequence: missense variant.
Genome position (GRCh38, 1-based): chr2:165,295,855, C>T. VCF-style: chr2-165295855-C-T. GRCh37 (hg19) VCF-style: chr2-166152365-C-T.
Other names: c.32C>T, p.Pro11Leu (NM_001040143.2, NM_001371246.1, NM_001371247.1 and 1 more transcripts); short protein forms P11L.
Identifiers: ClinVar variation 3764205 (VCV003764205.1).